The following is an entry in ClinVar:

ClinVar aggregate classification (germline): Uncertain significance (1 of 4 stars; one submission).

Conditions:
Maple syrup urine disease type 1A (MSUD1A). Also called: MSUD type 1A. Identifiers: MedGen C1855369, MONDO:0023691, OMIM 248600.

Submission:

Neuberg Centre For Genomic Medicine, NCGM
Classification: Uncertain significance for Maple syrup urine disease type 1A. Review status: criteria provided, single submitter. Criteria: ACMG Guidelines, 2015. Collection method: clinical testing. Allele origin: germline. Inheritance: Autosomal recessive inheritance. Affected: yes.
Comment: The missense c.575G>A(p.Gly192Glu) variant in BCKDHB gene has not been reported previously as a pathogenic variant nor as a benign variant, to our knowledge. The p.Gly192Glu variant is absent in gnomAD Exomes and 1000 Genomes. This variant has not been reported to the ClinVar database. The amino acid change p.Gly192Glu in BCKDHB is predicted as conserved by GERP++ and PhyloP across 100 vertebrates. The amino acid Gly at position 192 is changed to a Glu changing protein sequence and it might alter its composition and physico-chemical properties. For these reasons, this variant has been classified as Variant of Uncertain Significance (VUS).

NM_183050.4(BCKDHB):c.575G>A (p.Gly192Glu)

Gene: BCKDHB (branched chain keto acid dehydrogenase E1 subunit beta; plus strand). Cytogenetic location: 6q14.1.
Variant type: single nucleotide variant.
Coding change: c.575G>A on transcript NM_183050.4 (MANE Select); coding-DNA position 575, G replaced by A.
Protein change: p.Gly192Glu; replaces glycine 192 with glutamic acid.
Molecular consequence: missense variant. On other transcripts: non-coding transcript variant (6).
Genome position (GRCh38, 1-based): chr6:80,168,972, G>A. VCF-style: chr6-80168972-G-A. GRCh37 (hg19) VCF-style: chr6-80878689-G-A.
Other names: c.365G>A, p.Gly122Glu (NM_001318975.1, NM_001424043.1); c.575G>A, p.Gly192Glu (NM_001424035.1, NM_001424036.1, NM_001424037.1 and 8 more transcripts); short protein forms G122E, G192E.
Identifiers: ClinVar variation 3242001 (VCV003242001.1), dbSNP rs2481899893.